The following is an entry in ClinVar:

NM_005654.6(NR2F1):c.310G>A (p.Glu104Lys)

Genes: NR2F1-AS1 (NR2F1 regulatory antisense RNA 1; minus strand), NR2F1 (nuclear receptor subfamily 2 group F member 1; plus strand). Cytogenetic location: 5q15.
Variant type: single nucleotide variant.
Coding change: c.310G>A on transcript NM_005654.6 (MANE Select); coding-DNA position 310, G replaced by A.
Protein change: p.Glu104Lys; replaces glutamic acid 104 with lysine.
Molecular consequence: missense variant.
Genome position (GRCh38, 1-based): chr5:93,585,333, G>A. VCF-style: chr5-93585333-G-A. GRCh37 (hg19) VCF-style: chr5-92921039-G-A.
Other names: short protein forms E104K.
Identifiers: ClinVar variation 1300551 (VCV001300551.5), dbSNP rs2149941603, ClinGen allele CA360525987.

ClinVar aggregate classification (germline): Conflicting classifications of pathogenicity. Review status: criteria provided, conflicting classifications (1 of 4 stars). 3 submissions from 3 submitters: Pathogenic (1); Likely pathogenic (1); Uncertain significance (1). Last evaluated 2024-06-26.

Conditions:
Bosch-Boonstra-Schaaf optic atrophy syndrome (BBSOAS). Also called: NR2F1-Related Neurodevelopmental Disorder. Identifiers: Orphanet 401777, MedGen C3810363, MONDO:0014320, OMIM 615722.

Submissions (3):

Labcorp Genetics (formerly Invitae), Labcorp
Classification: Uncertain significance. Last evaluated: 2024-06-26. Review status: criteria provided, single submitter. Criteria: Invitae Variant Classification Sherloc (09022015). Collection method: clinical testing. Allele origin: germline.
Comment: This sequence change replaces glutamic acid, which is acidic and polar, with lysine, which is basic and polar, at codon 104 of the NR2F1 protein (p.Glu104Lys). This variant is not present in population databases (gnomAD no frequency). This variant has not been reported in the literature in individuals affected with NR2F1-related conditions. ClinVar contains an entry for this variant (Variation ID: 1300551). Advanced modeling of protein sequence and biophysical properties (such as structural, functional, and spatial information, amino acid conservation, physicochemical variation, residue mobility, and thermodynamic stability) performed at Invitae indicates that this missense variant is expected to disrupt NR2F1 protein function with a positive predictive value of 80%. In summary, the available evidence is currently insufficient to determine the role of this variant in disease. Therefore, it has been classified as a Variant of Uncertain Significance.

GeneDx
Classification: Pathogenic. Last evaluated: 2023-02-21. Review status: criteria provided, single submitter. Criteria: GeneDx Variant Classification Process June 2021. Collection method: clinical testing. Allele origin: germline. Affected: yes.
Comment: Not observed at significant frequency in large population cohorts (gnomAD); In silico analysis supports that this missense variant has a deleterious effect on protein structure/function; Has not been previously published as pathogenic or benign to our knowledge; This variant is associated with the following publications: (PMID: 26986877)

Illumina Laboratory Services, Illumina
Classification: Likely pathogenic for Bosch-Boonstra-Schaaf optic atrophy syndrome. Last evaluated: 2018-08-27. Review status: criteria provided, single submitter. Criteria: ICSLVariantClassificationCriteria RUGD 01 April 2020. Collection method: clinical testing. Allele origin: unknown.
Comment: The NR2F1 c.310G>A p.(Glu104Lys) missense variant has not, to our knowledge, been reported in the peer-reviewed literature. This variant is not observed in version 2.1.1 of the Genome Aggregation Database. The variant is located within the protein's zinc finger DNA binding domain, a common site of pathogenic missense variants (Bosch et al. 2014; Chen et al. 2016; Kaiwar et al. 2017; Martín-Hernández et al. 2018). Multiple lines of computational evidence suggest the variant may impact the gene or gene product. Based on the available evidence the c.310G>A p.(Glu104Lys) variant is classified as likely pathogenic for Bosch-Boonstra-Schaaf optic atrophy syndrome.